The following is an entry in ClinVar:

ClinVar aggregate classification (germline): Pathogenic. Review status: criteria provided, single submitter (1 of 4 stars). 2 submissions from 2 submitters: Pathogenic (1). 1 of the submissions does not count toward it. Last evaluated 2023-05-03.

Conditions:
Dihydropteridine reductase deficiency (HPABH4C). Also called: BH4-Deficient Hyperphenylalaninemia C; HYPERPHENYLALANINEMIA, TETRAHYDROBIOPTERIN-DEFICIENT, DUE TO DHPR DEFICIENCY; QDPR DEFICIENCY; QUINOID DIHYDROPTERIDINE REDUCTASE DEFICIENCY; Phenylketonuria II; Hyperphenylalaninemia due to dihydropteridine reductase deficiency. Identifiers: Orphanet 226, Orphanet 238583, MedGen C0268465, MONDO:0009862, OMIM 261630.

Allele frequency attached by ClinVar (database versions not stated): gnomAD exomes below 0.00001.

Submissions (2):

Women's Health and Genetics/Laboratory Corporation of America, LabCorp
Classification: Pathogenic for Dihydropteridine reductase deficiency. Last evaluated: 2023-05-03. Review status: criteria provided, single submitter. Criteria: LabCorp Variant Classification Summary - May 2015. Collection method: clinical testing. Allele origin: germline.
Comment: Variant summary: QDPR c.488G>A (p.Ser163Asn) results in a conservative amino acid change in the encoded protein sequence. Four of five in-silico tools predict a damaging effect of the variant on protein function. The variant was absent in 250542 control chromosomes (gnomAD). c.488G>A has been reported in the literature in the homozygous state in multiple individuals of Iranian ancestry affected with Dihydropteridine Reductase Deficiency (e.g. Foroozani_2015, Khani_2021, Sadat Fatemi_2022). These data indicate that the variant is very likely to be associated with disease. To our knowledge, no experimental evidence demonstrating an impact on protein function has been reported. However, variants affecting the same amino acid (p.S163I and p.S163T) have also been reported in association with affected individuals (HGMD database), suggesting Ser163 may be important for protein function. The following publications have been ascertained in the context of this evaluation (PMID: 26006720, 34214291, 36382472). One submitter has provided a clinical-significance assessment for this variant to ClinVar after 2014 without evidence for independent evaluation and classified the variant as likely pathogenic. Based on the evidence outlined above, the variant was classified as pathogenic.

Medical Genetics Research Center, Mashhad University of Medical Sciences
Classification: Likely pathogenic for Dihydropteridine reductase deficiency. Last evaluated: 2020-12-25. Review status: no assertion criteria provided. Collection method: clinical testing. Allele origin: germline. Inheritance: Autosomal recessive inheritance. Affected: yes. Observed: 1 homozygote. Not counted in ClinVar's aggregate classification.

Literature cited by the submitters: PubMed 26006720 (cited by Women's Health and Genetics/Laboratory Corporation of America, LabCorp); PubMed 34214291 (cited by Women's Health and Genetics/Laboratory Corporation of America, LabCorp); PubMed 36382472 (cited by Women's Health and Genetics/Laboratory Corporation of America, LabCorp).

NM_000320.3(QDPR):c.488G>A (p.Ser163Asn)

Gene: QDPR (quinoid dihydropteridine reductase; minus strand). Cytogenetic location: 4p15.32.
Variant type: single nucleotide variant.
Coding change: c.488G>A on transcript NM_000320.3 (MANE Select); coding-DNA position 488, G replaced by A.
Protein change: p.Ser163Asn; replaces serine 163 with asparagine.
Molecular consequence: missense variant.
Genome position (GRCh38, 1-based): chr4:17,492,289, C>T on the plus strand (G>A on the coding strand, the complement: QDPR is on the minus strand). VCF-style: chr4-17492289-C-T. GRCh37 (hg19) VCF-style: chr4-17493912-C-T.
Other names: c.395G>A, p.Ser132Asn (NM_001306140.2); c.488G>A (NM_000320.2); short protein forms S132N, S163N.
Identifiers: ClinVar variation 1679198 (VCV001679198.3), dbSNP rs2108987681, ClinGen allele CA356444789.